The following is an entry in ClinVar:

NM_005157.6(ABL1):c.1760A>C (p.Asp587Ala)

Gene: ABL1 (ABL proto-oncogene 1, non-receptor tyrosine kinase; plus strand). Cytogenetic location: 9q34.12.
Variant type: single nucleotide variant.
Coding change: c.1760A>C on transcript NM_005157.6 (MANE Select); coding-DNA position 1760, A replaced by C.
Protein change: p.Asp587Ala; replaces aspartic acid 587 with alanine.
Molecular consequence: missense variant.
Genome position (GRCh38, 1-based): chr9:130,884,050, A>C. VCF-style: chr9-130884050-A-C. GRCh37 (hg19) VCF-style: chr9-133759437-A-C.
Other names: c.1817A>C, p.Asp606Ala (NM_007313.3); short protein forms D587A, D606A.
Identifiers: ClinVar variation 3372424 (VCV003372424.1).

ClinVar aggregate classification (germline): Uncertain significance (1 of 4 stars; one submission).

Submission:

GeneDx
Classification: Uncertain significance. Last evaluated: 2024-04-13. Review status: criteria provided, single submitter. Criteria: GeneDx Variant Classification Process June 2021. Collection method: clinical testing. Allele origin: germline. Affected: yes.
Comment: Not observed at significant frequency in large population cohorts (gnomAD); In silico analysis supports that this missense variant has a deleterious effect on protein structure/function; Has not been previously published as pathogenic or benign to our knowledge